The following is an entry in ClinVar:

NM_005670.4(EPM2A):c.335A>G (p.Tyr112Cys)

Gene: EPM2A (EPM2A glucan phosphatase, laforin; minus strand). Cytogenetic location: 6q24.3.
Variant type: single nucleotide variant.
Coding change: c.335A>G on transcript NM_005670.4 (MANE Select); coding-DNA position 335, A replaced by G.
Protein change: p.Tyr112Cys; replaces tyrosine 112 with cysteine.
Molecular consequence: missense variant. On other transcripts: 5 prime UTR variant (5), non-coding transcript variant (1).
Genome position (GRCh38, 1-based): chr6:145,686,263, T>C on the plus strand (A>G on the coding strand, the complement: EPM2A is on the minus strand). VCF-style: chr6-145686263-T-C. GRCh37 (hg19) VCF-style: chr6-146007399-T-C.
Other names: c.335A>G, p.Tyr112Cys (NM_001018041.2, NM_001360057.2, NM_001368130.1); c.-80A>G (NM_001360064.2, NM_001360071.2, NM_001368131.1); c.-289A>G (NM_001368129.2, NM_001368132.1); short protein forms Y112C.
Identifiers: ClinVar variation 1497685 (VCV001497685.8), dbSNP rs757199020, ClinGen allele CA4035185.

ClinVar aggregate classification (germline): Uncertain significance (1 of 4 stars; one submission).

Conditions:
Progressive myoclonic epilepsy. Also called: Myoclonic Epilepsies, Progressive; Familial progressive myoclonic epilepsy; Myoclonus epilepsy; Progressive myoclonus epilepsy. Identifiers: Orphanet 308, Orphanet 98261, MedGen C0751778, MONDO:0020074.

Allele frequency attached by ClinVar (database versions not stated): ExAC 0.00001; gnomAD exomes 0.00001.
gnomAD v4.1: 15 of 1,613,958 alleles (0.00093%); highest among the groups gnomAD compares: Non-Finnish European, 0.0013%; no homozygotes.

Submission:

Labcorp Genetics (formerly Invitae), Labcorp
Classification: Uncertain significance for Progressive myoclonic epilepsy. Last evaluated: 2022-07-19. Review status: criteria provided, single submitter. Criteria: Invitae Variant Classification Sherloc (09022015). Collection method: clinical testing. Allele origin: germline.
Comment: In summary, the available evidence is currently insufficient to determine the role of this variant in disease. Therefore, it has been classified as a Variant of Uncertain Significance. Algorithms developed to predict the effect of missense changes on protein structure and function are either unavailable or do not agree on the potential impact of this missense change (SIFT: "Deleterious"; PolyPhen-2: "Probably Damaging"; Align-GVGD: "Class C0"). ClinVar contains an entry for this variant (Variation ID: 1497685). This variant has not been reported in the literature in individuals affected with EPM2A-related conditions. This variant is present in population databases (rs757199020, gnomAD 0.002%). This sequence change replaces tyrosine, which is neutral and polar, with cysteine, which is neutral and slightly polar, at codon 112 of the EPM2A protein (p.Tyr112Cys).